The following is an entry in ClinVar:

ClinVar aggregate classification (germline): Uncertain significance (1 of 4 stars; one submission).

Conditions:
Predisposition to invasive fungal disease due to CARD9 deficiency (IMD103). Also called: Candidiasis, familial, 2, autosomal recessive; IMMUNODEFICIENCY 103, SUSCEPTIBILITY TO FUNGAL INFECTIONS; CARD9 IMMUNODEFICIENCY. Identifiers: Orphanet 457088, MedGen C1859353, MONDO:0008905, OMIM 212050.

Submission:

Labcorp Genetics (formerly Invitae), Labcorp
Classification: Uncertain significance for Predisposition to invasive fungal disease due to CARD9 deficiency. Last evaluated: 2022-09-27. Review status: criteria provided, single submitter. Criteria: Invitae Variant Classification Sherloc (09022015). Collection method: clinical testing. Allele origin: germline.
Comment: This variant is not present in population databases (gnomAD no frequency). This sequence change replaces aspartic acid, which is acidic and polar, with glutamic acid, which is acidic and polar, at codon 274 of the CARD9 protein (p.Asp274Glu). This variant has not been reported in the literature in individuals affected with CARD9-related conditions. ClinVar contains an entry for this variant (Variation ID: 1522595). Advanced modeling of protein sequence and biophysical properties (such as structural, functional, and spatial information, amino acid conservation, physicochemical variation, residue mobility, and thermodynamic stability) performed at Invitae indicates that this missense variant is not expected to disrupt CARD9 protein function. In summary, the available evidence is currently insufficient to determine the role of this variant in disease. Therefore, it has been classified as a Variant of Uncertain Significance.

NM_052813.5(CARD9):c.822C>G (p.Asp274Glu)

Gene: CARD9 (caspase recruitment domain family member 9; minus strand). Cytogenetic location: 9q34.3.
Variant type: single nucleotide variant.
Coding change: c.822C>G on transcript NM_052813.5 (MANE Select); coding-DNA position 822, C replaced by G.
Protein change: p.Asp274Glu; replaces aspartic acid 274 with glutamic acid.
Molecular consequence: missense variant.
Genome position (GRCh38, 1-based): chr9:136,370,423, G>C on the plus strand (C>G on the coding strand, the complement: CARD9 is on the minus strand). VCF-style: chr9-136370423-G-C. GRCh37 (hg19) VCF-style: chr9-139264875-G-C.
Other names: c.822C>G, p.Asp274Glu (NM_052814.4); short protein forms D274E.
Identifiers: ClinVar variation 1522595 (VCV001522595.8), dbSNP rs1433023025, ClinGen allele CA375544254.